The following is an entry in ClinVar:

NM_002734.5(PRKAR1A):c.859G>A (p.Glu287Lys)

Gene: PRKAR1A (protein kinase cAMP-dependent type I regulatory subunit alpha; plus strand). Cytogenetic location: 17q24.2.
Variant type: single nucleotide variant.
Coding change: c.859G>A on transcript NM_002734.5 (MANE Select); coding-DNA position 859, G replaced by A.
Protein change: p.Glu287Lys; replaces glutamic acid 287 with lysine.
Molecular consequence: missense variant.
Genome position (GRCh38, 1-based): chr17:68,528,959, G>A. VCF-style: chr17-68528959-G-A. GRCh37 (hg19) VCF-style: chr17-66525100-G-A.
Other names: c.859G>A, p.Glu287Lys (NM_001276289.2, NM_001276290.1, NM_001278433.2 and 4 more transcripts); c.859G>A (NM_002734.3); short protein forms E287K.
Identifiers: ClinVar variation 2853601 (VCV002853601.4), dbSNP rs2143367980, ClinGen allele CA400753983.

ClinVar aggregate classification (germline): Uncertain significance. Review status: criteria provided, multiple submitters, no conflicts (2 of 4 stars). 2 submissions from 2 submitters: Uncertain significance (2). Last evaluated 2025-05-24.

Conditions:
Carney complex, type 1 (CNC1). Also called: CARNEY MYXOMA-ENDOCRINE COMPLEX; CARNEY COMPLEX, TYPE I. Identifiers: Orphanet 1359, MedGen C2607929, MONDO:0008057, OMIM 160980.
Hereditary cancer-predisposing syndrome. Also called: Neoplastic Syndromes, Hereditary; Hereditary Cancer Syndrome; Tumor predisposition; Hereditary neoplastic syndrome. Identifiers: Orphanet 140162, MedGen C0027672, MeSH D009386, MONDO:0015356.

Submissions (2):

Ambry Genetics
Classification: Uncertain significance for Hereditary cancer-predisposing syndrome. Last evaluated: 2025-05-24. Review status: criteria provided, single submitter. Criteria: Ambry Variant Classification Scheme 2023. Collection method: clinical testing. Allele origin: germline.
Comment: The p.E287K variant (also known as c.859G>A), located in coding exon 8 of the PRKAR1A gene, results from a G to A substitution at nucleotide position 859. The glutamic acid at codon 287 is replaced by lysine, an amino acid with similar properties. This amino acid position is conserved. In addition, this alteration is predicted to be deleterious by in silico analysis. Based on the available evidence, the clinical significance of this variant remains unclear.

Labcorp Genetics (formerly Invitae), Labcorp
Classification: Uncertain significance for Carney complex, type 1. Last evaluated: 2023-04-08. Review status: criteria provided, single submitter. Criteria: Invitae Variant Classification Sherloc (09022015). Collection method: clinical testing. Allele origin: germline.
Comment: In summary, the available evidence is currently insufficient to determine the role of this variant in disease. Therefore, it has been classified as a Variant of Uncertain Significance. Advanced modeling of protein sequence and biophysical properties (such as structural, functional, and spatial information, amino acid conservation, physicochemical variation, residue mobility, and thermodynamic stability) performed at Invitae indicates that this missense variant is expected to disrupt PRKAR1A protein function. This variant has not been reported in the literature in individuals affected with PRKAR1A-related conditions. This variant is not present in population databases (gnomAD no frequency). This sequence change replaces glutamic acid, which is acidic and polar, with lysine, which is basic and polar, at codon 287 of the PRKAR1A protein (p.Glu287Lys).